The following is an entry in ClinVar:

ClinVar aggregate classification (germline): Likely benign (1 of 4 stars; one submission).

Conditions:
KAT2B-related disorder. Also called: KAT2B-related condition.

gnomAD v4.1: 138 of 1,175,078 alleles (0.012%); highest among the groups gnomAD compares: South Asian, 0.34%; 1 homozygote.

Submission:

PreventionGenetics, part of Exact Sciences
Classification: Likely benign for KAT2B-related condition. Last evaluated: 2025-04-12. Review status: criteria provided, single submitter. Criteria: ACMG Guidelines, 2015. Collection method: clinical testing. Allele origin: germline.
Comment: This variant is classified as likely benign based on ACMG/AMP sequence variant interpretation guidelines (Richards et al. 2015 PMID: 25741868, with internal and published modifications).

NM_003884.5(KAT2B):c.108C>T (p.Pro36=)

Gene: KAT2B (lysine acetyltransferase 2B; plus strand). Cytogenetic location: 3p24.3.
Variant type: single nucleotide variant.
Coding change: c.108C>T on transcript NM_003884.5 (MANE Select); coding-DNA position 108, C replaced by T.
Protein change: p.Pro36=; no amino-acid change (proline 36 retained).
Molecular consequence: synonymous variant.
Genome position (GRCh38, 1-based): chr3:20,040,585, C>T. VCF-style: chr3-20040585-C-T. GRCh37 (hg19) VCF-style: chr3-20082077-C-T.
Identifiers: ClinVar variation 4980264 (VCV004980264.1).